The following is an entry in ClinVar:

NM_201253.3(CRB1):c.2875G>A (p.Gly959Ser)

Gene: CRB1 (crumbs cell polarity complex component 1; plus strand). Cytogenetic location: 1q31.3.
Variant type: single nucleotide variant.
Coding change: c.2875G>A on transcript NM_201253.3 (MANE Select); coding-DNA position 2875, G replaced by A.
Protein change: p.Gly959Ser; replaces glycine 959 with serine.
Molecular consequence: missense variant. On other transcripts: non-coding transcript variant (2), intron variant (1).
Genome position (GRCh38, 1-based): chr1:197,434,738, G>A. VCF-style: chr1-197434738-G-A. GRCh37 (hg19) VCF-style: chr1-197403868-G-A.
Other names: c.2539G>A, p.Gly847Ser (NM_001193640.2); c.2803G>A, p.Gly935Ser (NM_001257965.2); c.2129-862G>A (NM_001257966.2); short protein forms G847S, G935S, G959S.
Identifiers: ClinVar variation 967613 (VCV000967613.7), dbSNP rs557111131, ClinGen allele CA1312241.

ClinVar aggregate classification (germline): Uncertain significance. Review status: criteria provided, multiple submitters, no conflicts (2 of 4 stars). 7 submissions from 5 submitters: Uncertain significance (6). 1 of the submissions does not count toward it. Last evaluated 2024-09-12.

Conditions:
Retinitis pigmentosa 12 (RP12). Also called: RP WITH OR WITHOUT PRESERVED PARAARTERIOLE RETINAL PIGMENT EPITHELIUM; RETINITIS PIGMENTOSA WITH OR WITHOUT PARAARTERIOLAR PRESERVATION OF RETINAL PIGMENT EPITHELIUM; RP WITH OR WITHOUT PPRPE. Identifiers: Orphanet 791, MedGen C1838647, MONDO:0010818, OMIM 600105.
Pigmented paravenous retinochoroidal atrophy. Identifiers: Orphanet 251295, MedGen C1868310, MONDO:0008246, OMIM 172870.
Leber congenital amaurosis 8 (LCA8). Identifiers: Orphanet 65, MedGen C3151202, MONDO:0013453, OMIM 613835.
Leber congenital amaurosis (LCA). Also called: Leber's amaurosis. Identifiers: Orphanet 65, MedGen C0339527, MeSH D057130, MONDO:0018998.

Allele frequency attached by ClinVar (database versions not stated): gnomAD 0.00002; TOPMed 0.00003; ExAC 0.00004; 1000 Genomes Project 30x 0.00016; 1000 Genomes Project 0.00020.
gnomAD v4.1: 71 of 1,613,340 alleles (0.0044%); highest among the groups gnomAD compares: Middle Eastern, 0.017%; no homozygotes.

Submissions (7):

Blueprint Genetics
Classification: Uncertain significance. Last evaluated: 2024-09-12. Review status: criteria provided, single submitter. Criteria: ACMG Guidelines, 2015. Collection method: clinical testing. Allele origin: germline.

Genome-Nilou Lab
Classification: Uncertain significance for Leber congenital amaurosis 8. Last evaluated: 2023-04-11. Review status: criteria provided, single submitter. Criteria: ACMG Guidelines, 2015. Collection method: clinical testing. Allele origin: germline. Affected: no.

Genome-Nilou Lab
Classification: Uncertain significance for Pigmented paravenous retinochoroidal atrophy. Last evaluated: 2023-04-11. Review status: criteria provided, single submitter. Criteria: ACMG Guidelines, 2015. Collection method: clinical testing. Allele origin: germline. Affected: no.

Genome-Nilou Lab
Classification: Uncertain significance for Retinitis pigmentosa 12. Last evaluated: 2023-04-11. Review status: criteria provided, single submitter. Criteria: ACMG Guidelines, 2015. Collection method: clinical testing. Allele origin: germline. Affected: no.

Labcorp Genetics (formerly Invitae), Labcorp
Classification: Uncertain significance for Leber congenital amaurosis 8; Retinitis pigmentosa 12. Last evaluated: 2022-08-05. Review status: criteria provided, single submitter. Criteria: Invitae Variant Classification Sherloc (09022015). Collection method: clinical testing. Allele origin: germline.
Comment: This sequence change replaces glycine, which is neutral and non-polar, with serine, which is neutral and polar, at codon 959 of the CRB1 protein (p.Gly959Ser). This variant is present in population databases (rs557111131, gnomAD 0.02%). This variant has not been reported in the literature in individuals affected with CRB1-related conditions. ClinVar contains an entry for this variant (Variation ID: 967613). Advanced modeling of protein sequence and biophysical properties (such as structural, functional, and spatial information, amino acid conservation, physicochemical variation, residue mobility, and thermodynamic stability) performed at Invitae indicates that this missense variant is not expected to disrupt CRB1 protein function. In summary, the available evidence is currently insufficient to determine the role of this variant in disease. Therefore, it has been classified as a Variant of Uncertain Significance.

Fulgent Genetics
Classification: Uncertain significance for Pigmented paravenous retinochoroidal atrophy; Retinitis pigmentosa 12; Leber congenital amaurosis 8. Last evaluated: 2021-09-07. Review status: criteria provided, single submitter. Criteria: ACMG Guidelines, 2015. Collection method: clinical testing. Allele origin: unknown.

Natera, Inc.
Classification: Uncertain significance for Leber congenital amaurosis. Last evaluated: 2020-09-08. Review status: no assertion criteria provided. Collection method: clinical testing. Allele origin: germline. Not counted in ClinVar's aggregate classification.